The following is an entry in ClinVar:

ClinVar aggregate classification (germline): Likely benign (0 of 4 stars; one submission).

Conditions:
LUZP4-related disorder. Also called: LUZP4-related condition.

Allele frequency attached by ClinVar (database versions not stated): gnomAD exomes 0.00042; ExAC 0.00133; gnomAD 0.00390; TOPMed 0.00439; 1000 Genomes Project 0.00450; ESP Exome Variant Server 0.00521; 1000 Genomes Project 30x 0.00541.
gnomAD v4.1: 896 of 1,205,974 alleles (0.074%); highest among the groups gnomAD compares: African/African-American, 1.5%; 4 homozygotes.

Submission:

PreventionGenetics, part of Exact Sciences
Classification: Likely benign for LUZP4-related condition. Last evaluated: 2020-01-13. Review status: no assertion criteria provided. Collection method: clinical testing. Allele origin: germline.
Comment: This variant is classified as likely benign based on ACMG/AMP sequence variant interpretation guidelines (Richards et al. 2015 PMID: 25741868, with internal and published modifications).

NM_016383.5(LUZP4):c.916A>G (p.Thr306Ala)

Gene: LUZP4 (leucine zipper protein 4; plus strand). Cytogenetic location: Xq23.
Variant type: single nucleotide variant.
Coding change: c.916A>G on transcript NM_016383.5 (MANE Select); coding-DNA position 916, A replaced by G.
Protein change: p.Thr306Ala; replaces threonine 306 with alanine.
Molecular consequence: missense variant.
Genome position (GRCh38, 1-based): chrX:115,306,778, A>G. VCF-style: chrX-115306778-A-G. GRCh37 (hg19) VCF-style: chrX-114541343-A-G.
Other names: c.670A>G, p.Thr224Ala (NM_001318840.2); short protein forms T224A, T306A.
Identifiers: ClinVar variation 3039850 (VCV003039850.2), dbSNP rs35314601, ClinGen allele CA10496788.